The following is an entry in ClinVar:

ClinVar aggregate classification (germline): Benign/Likely benign. Review status: criteria provided, multiple submitters, no conflicts (2 of 4 stars). 10 submissions from 10 submitters: Benign (5); Likely benign (2). 3 of the submissions do not count toward it. Last evaluated 2026-01-28.

Conditions:
PCNT-related disorder. Also called: PCNT-related condition.
Microcephalic osteodysplastic primordial dwarfism type II (MOPD2). Also called: Microcephalic osteodysplastic primordial dwarfism with tooth abnormalities; MOPD II; OSTEODYSPLASTIC PRIMORDIAL DWARFISM, TYPE II. Identifiers: Orphanet 2637, MedGen C0432246, MONDO:0008872, OMIM 210720.

Allele frequency attached by ClinVar (database versions not stated): ExAC 0.00226; 1000 Genomes Project 0.00599; 1000 Genomes Project 30x 0.00625; gnomAD 0.00705 and 0.00759; ESP Exome Variant Server 0.00784; TOPMed 0.00798; gnomAD exomes 0.00070 and 0.00181.
gnomAD v4.1: 2,135 of 1,613,908 alleles (0.13%); highest among the groups gnomAD compares: African/African-American, 2.6%; 39 homozygotes.

Submissions (10):

Labcorp Genetics (formerly Invitae), Labcorp
Classification: Benign. Last evaluated: 2026-01-28. Review status: criteria provided, single submitter. Criteria: Invitae Variant Classification Sherloc (09022015). Collection method: clinical testing. Allele origin: germline.

ARUP Laboratories, Molecular Genetics and Genomics, ARUP Laboratories
Classification: Benign for Microcephalic osteodysplastic primordial dwarfism type II. Last evaluated: 2025-02-11. Review status: criteria provided, single submitter. Criteria: ARUP Molecular Germline Variant Investigation Process 2024. Collection method: clinical testing. Allele origin: germline.

Illumina Laboratory Services, Illumina
Classification: Benign for Microcephalic osteodysplastic primordial dwarfism type II. Last evaluated: 2018-01-12. Review status: criteria provided, single submitter. Criteria: ICSL Variant Classification Criteria 13 December 2019. Collection method: clinical testing. Allele origin: germline.
Comment: This variant was observed in the ICSL laboratory as part of a predisposition screen in an ostensibly healthy population. It had not been previously curated by ICSL or reported in the Human Gene Mutation Database (HGMD: prior to June 1st, 2018), and was therefore a candidate for classification through an automated scoring system. Utilizing variant allele frequency, disease prevalence and penetrance estimates, and inheritance mode, an automated score was calculated to assess if this variant is too frequent to cause the disease. Based on the score and internal cut-off values, a variant classified as benign is not then subjected to further curation. The score for this variant resulted in a classification of benign for this disease.

Center for Pediatric Genomic Medicine, Children's Mercy Hospital and Clinics
Classification: Likely benign. Last evaluated: 2017-01-13. Review status: criteria provided, single submitter. Criteria: ACMG Guidelines, 2015. Collection method: clinical testing. Allele origin: germline.
ClinVar note: Converted during submission from Likely Benign to Likely benign.

GeneDx
Classification: Benign. Last evaluated: 2015-03-03. Review status: criteria provided, single submitter. Criteria: GeneDx Variant Classification Process June 2021. Collection method: clinical testing. Allele origin: germline. Affected: yes.

Genetic Services Laboratory, University of Chicago
Classification: Benign. Last evaluated: 2013-03-04. Review status: criteria provided, single submitter. Criteria: ACMG Guidelines, 2007. Collection method: clinical testing. Allele origin: germline. Inheritance: Autosomal recessive inheritance.

Breakthrough Genomics
Classification: Likely benign. Review status: criteria provided, single submitter. Criteria: ACMG Guidelines, 2015. Collection method: not provided. Allele origin: germline. Inheritance: Autosomal recessive inheritance. Affected: yes.

PreventionGenetics, part of Exact Sciences
Classification: Benign for PCNT-related condition. Last evaluated: 2023-02-08. Review status: no assertion criteria provided. Collection method: clinical testing. Allele origin: germline. Not counted in ClinVar's aggregate classification.
Comment: This variant is classified as benign based on ACMG/AMP sequence variant interpretation guidelines (Richards et al. 2015 PMID: 25741868, with internal and published modifications).

Clinical Genetics DNA and cytogenetics Diagnostics Lab, Erasmus MC, Erasmus Medical Center
Classification: Benign. Review status: no assertion criteria provided. Collection method: clinical testing. Allele origin: germline. Affected: yes. Study: VKGL Data-share Consensus. Not counted in ClinVar's aggregate classification.

Laboratory of Diagnostic Genome Analysis, Leiden University Medical Center (LUMC)
Classification: Likely benign. Review status: no assertion criteria provided. Collection method: clinical testing. Allele origin: germline. Affected: yes. Study: VKGL Data-share Consensus. Not counted in ClinVar's aggregate classification.

NM_006031.6(PCNT):c.7404G>C (p.Gln2468His)

Gene: PCNT (pericentrin; plus strand). Cytogenetic location: 21q22.3.
Variant type: single nucleotide variant.
Coding change: c.7404G>C on transcript NM_006031.6 (MANE Select); coding-DNA position 7404, G replaced by C.
Protein change: p.Gln2468His; replaces glutamine 2468 with histidine.
Molecular consequence: missense variant.
Genome position (GRCh38, 1-based): chr21:46,427,705, G>C. VCF-style: chr21-46427705-G-C. GRCh37 (hg19) VCF-style: chr21-47847619-G-C.
Other names: c.7050G>C, p.Gln2350His (NM_001315529.2); short protein forms Q2468H, Q2350H.
Identifiers: ClinVar variation 159657 (VCV000159657.36), dbSNP rs77075366, ClinGen allele CA173089.